The following is an entry in ClinVar:

ClinVar aggregate classification (germline): Benign/Likely benign. Review status: criteria provided, multiple submitters, no conflicts (2 of 4 stars). 2 submissions from 2 submitters: Benign (1); Likely benign (1). Last evaluated 2024-12-04.

Conditions:
Familial adenomatous polyposis 1 (FAP1). Also called: POLYPOSIS, ADENOMATOUS INTESTINAL; FAMILIAL ADENOMATOUS POLYPOSIS 1, ATTENUATED. Identifiers: MedGen C2713442, MONDO:0021056, OMIM 175100. Disease mechanism: loss of function.

Submissions (2):

Labcorp Genetics (formerly Invitae), Labcorp
Classification: Likely benign for Familial adenomatous polyposis 1. Last evaluated: 2024-12-04. Review status: criteria provided, single submitter. Criteria: Invitae Variant Classification Sherloc (09022015). Collection method: clinical testing. Allele origin: germline.

Myriad Genetics, Inc.
Classification: Benign for Familial adenomatous polyposis 1. Last evaluated: 2024-03-06. Review status: criteria provided, single submitter. Criteria: Myriad Autosomal Dominant, Autosomal Recessive and X-Linked Classification Criteria (2023). Collection method: clinical testing. Allele origin: unknown.
Comment: This variant is considered benign. This variant is a silent/synonymous amino acid change and it is not expected to impact splicing.

NM_000038.6(APC):c.1737T>A (p.Val579=)

Gene: APC (APC regulator of Wnt signaling pathway; plus strand). Cytogenetic location: 5q22.2.
Variant type: single nucleotide variant.
Coding change: c.1737T>A on transcript NM_000038.6 (MANE Select); coding-DNA position 1737, T replaced by A.
Protein change: p.Val579=; no amino-acid change (valine 579 retained).
Molecular consequence: synonymous variant.
Genome position (GRCh38, 1-based): chr5:112,828,966, T>A. VCF-style: chr5-112828966-T-A. GRCh37 (hg19) VCF-style: chr5-112164663-T-A.
Other names: c.1737T>A, p.Val579= (NM_001127510.3, NM_001354895.2, NM_001407450.1); c.1683T>A, p.Val561= (NM_001127511.3); c.1791T>A, p.Val597= (NM_001354896.2, NM_001407447.1, NM_001407448.1 and 1 more transcripts); c.1767T>A, p.Val589= (NM_001354897.2); c.1662T>A, p.Val554= (NM_001354898.2); c.1653T>A, p.Val551= (NM_001354899.2); c.1614T>A, p.Val538= (NM_001354900.2); c.1560T>A, p.Val520= (NM_001354901.2, NM_001407453.1); and 11 more.
Identifiers: ClinVar variation 3148554 (VCV003148554.3), dbSNP rs2149818517, ClinGen allele CA445757433.